The following is an entry in ClinVar:

ClinVar aggregate classification (germline): Uncertain significance (1 of 4 stars; one submission).

Allele frequency attached by ClinVar (database versions not stated): gnomAD exomes below 0.00001.
gnomAD v4.1: 1 of 1,613,926 alleles (0.000062%); highest among the groups gnomAD compares: East Asian, 0.0022%; no homozygotes.

Submission:

GeneDx
Classification: Uncertain significance. Last evaluated: 2022-07-18. Review status: criteria provided, single submitter. Criteria: GeneDx Variant Classification Process June 2021. Collection method: clinical testing. Allele origin: germline. Affected: yes.
Comment: Not observed at significant frequency in large population cohorts (gnomAD); In silico analysis supports that this missense variant does not alter protein structure/function; Has not been previously published as pathogenic or benign to our knowledge

NM_002911.4(UPF1):c.2791A>G (p.Thr931Ala)

Gene: UPF1 (UPF1 RNA helicase and ATPase; plus strand). Cytogenetic location: 19p13.11.
Variant type: single nucleotide variant.
Coding change: c.2791A>G on transcript NM_002911.4 (MANE Select); coding-DNA position 2791, A replaced by G.
Protein change: p.Thr931Ala; replaces threonine 931 with alanine.
Molecular consequence: missense variant.
Genome position (GRCh38, 1-based): chr19:18,864,185, A>G. VCF-style: chr19-18864185-A-G. GRCh37 (hg19) VCF-style: chr19-18974994-A-G.
Other names: c.2824A>G, p.Thr942Ala (NM_001297549.2); short protein forms T931A, T942A.
Identifiers: ClinVar variation 2136158 (VCV002136158.1), dbSNP rs2512939909, ClinGen allele CA404858829.